The following is an entry in ClinVar:

ClinVar aggregate classification (germline): Uncertain significance (0 of 4 stars; one submission).

Conditions:
BBS12-related disorder. Also called: BBS12-related condition.

gnomAD v4.1: 18 of 1,614,130 alleles (0.0011%); highest among the groups gnomAD compares: African/African-American, 0.0013%; no homozygotes.

Submission:

PreventionGenetics, part of Exact Sciences
Classification: Uncertain significance for BBS12-related condition. Last evaluated: 2024-07-03. Review status: no assertion criteria provided. Collection method: clinical testing. Allele origin: germline.
Comment: The BBS12 c.649A>G variant is predicted to result in the amino acid substitution p.Lys217Glu. To our knowledge, this variant has not been reported in the literature. This variant is reported in 0.0026% of alleles in individuals of European (Non-Finnish) descent in gnomAD. At this time, the clinical significance of this variant is uncertain due to the absence of conclusive functional and genetic evidence.

NM_152618.3(BBS12):c.649A>G (p.Lys217Glu)

Gene: BBS12 (Bardet-Biedl syndrome 12; plus strand). Cytogenetic location: 4q27.
Variant type: single nucleotide variant.
Coding change: c.649A>G on transcript NM_152618.3 (MANE Select); coding-DNA position 649, A replaced by G.
Protein change: p.Lys217Glu; replaces lysine 217 with glutamic acid.
Molecular consequence: missense variant.
Genome position (GRCh38, 1-based): chr4:122,742,541, A>G. VCF-style: chr4-122742541-A-G. GRCh37 (hg19) VCF-style: chr4-123663696-A-G.
Other names: c.649A>G, p.Lys217Glu (NM_001178007.2); short protein forms K217E.
Identifiers: ClinVar variation 3357342 (VCV003357342.1).